The following is an entry in ClinVar:

ClinVar aggregate classification (germline): Conflicting classifications of pathogenicity. Review status: criteria provided, conflicting classifications (1 of 4 stars). 3 submissions from 3 submitters: Likely pathogenic (1); Uncertain significance (2). Last evaluated 2026-03-04.

Conditions:
Hereditary cancer-predisposing syndrome. Also called: Neoplastic Syndromes, Hereditary; Tumor predisposition; Hereditary neoplastic syndrome; Hereditary Cancer Syndrome. Identifiers: Orphanet 140162, MedGen C0027672, MeSH D009386, MONDO:0015356.
Fanconi anemia complementation group O. Also called: RAD51C-Related Fanconi Anemia. Identifiers: Orphanet 84, MedGen C3150653, MONDO:0013248, OMIM 613390.
Breast-ovarian cancer, familial, susceptibility to, 3. Also called: RAD51C-Related Breast/Ovarian Cancer. Identifiers: Orphanet 145, MedGen C3150659, MONDO:0013253, OMIM 613399.

Allele frequency attached by ClinVar (database versions not stated): gnomAD exomes below 0.00001.
gnomAD v4.1: 2 of 1,609,698 alleles (0.00012%); highest among the groups gnomAD compares: African/African-American, 0.0013%; no homozygotes.

Submissions (3):

Ambry Genetics
Classification: Likely pathogenic for Hereditary cancer-predisposing syndrome. Last evaluated: 2026-03-04. Review status: criteria provided, single submitter. Criteria: Ambry Variant Classification Scheme 2023. Collection method: clinical testing. Allele origin: germline.
Comment: The c.965G>C variant (also known as p.R322T), located in coding exon 7 of the RAD51C gene, results from a G to C substitution at nucleotide position 965. The amino acid change results in arginine to threonine at codon 322, an amino acid with similar properties. However, this change occurs in the last base pair of coding exon 7, which makes it likely to have some effect on normal mRNA splicing. In a homology-directed DNA repair (HDR) assay, this alteration showed a functionally abnormal read-out (Olvera-Le&oacute;n R et al. Cell, 2024 Oct;187:5719-5734.e19). This nucleotide position is highly conserved in available vertebrate species. In silico splice site analysis predicts that this alteration will weaken the native splice donor site. Based on the majority of available evidence to date, this variant is likely to be pathogenic.

Labcorp Genetics (formerly Invitae), Labcorp
Classification: Uncertain significance for Fanconi anemia complementation group O. Last evaluated: 2025-03-27. Review status: criteria provided, single submitter. Criteria: Invitae Variant Classification Sherloc (09022015). Collection method: clinical testing. Allele origin: germline.
Comment: This sequence change replaces arginine, which is basic and polar, with threonine, which is neutral and polar, at codon 322 of the RAD51C protein (p.Arg322Thr). This variant also falls at the last nucleotide of exon 7, which is part of the consensus splice site for this exon. This variant is not present in population databases (gnomAD no frequency). This variant has not been reported in the literature in individuals affected with RAD51C-related conditions. ClinVar contains an entry for this variant (Variation ID: 471453). An algorithm developed to predict the effect of missense changes on protein structure and function (PolyPhen-2) suggests that this variant is likely to be disruptive. Variants that disrupt the consensus splice site are a relatively common cause of aberrant splicing (PMID: 17576681, 9536098). Algorithms developed to predict the effect of sequence changes on RNA splicing suggest that this variant may disrupt the consensus splice site. In summary, the available evidence is currently insufficient to determine the role of this variant in disease. Therefore, it has been classified as a Variant of Uncertain Significance.

Baylor Genetics
Classification: Uncertain significance for Breast-ovarian cancer, familial, susceptibility to, 3. Last evaluated: 2023-08-01. Review status: criteria provided, single submitter. Criteria: ACMG Guidelines, 2015. Collection method: clinical testing. Allele origin: unknown.

Literature cited by the submitters: PubMed 39299233 (cited by Ambry Genetics); PubMed 17576681 (cited by Labcorp Genetics (formerly Invitae), Labcorp); PubMed 9536098 (cited by Labcorp Genetics (formerly Invitae), Labcorp).

NM_058216.3(RAD51C):c.965G>C (p.Arg322Thr)

Gene: RAD51C (RAD51 paralog C; plus strand). Cytogenetic location: 17q22.
Variant type: single nucleotide variant.
Coding change: c.965G>C on transcript NM_058216.3 (MANE Select); coding-DNA position 965, G replaced by C.
Protein change: p.Arg322Thr; replaces arginine 322 with threonine.
Molecular consequence: missense variant. On other transcripts: non-coding transcript variant (1).
Genome position (GRCh38, 1-based): chr17:58,724,100, G>C. VCF-style: chr17-58724100-G-C. GRCh37 (hg19) VCF-style: chr17-56801461-G-C.
Other names: short protein forms R322T.
Identifiers: ClinVar variation 471453 (VCV000471453.17), dbSNP rs1555603059, ClinGen allele CA400361623.